The following is an entry in ClinVar:

NM_014989.7(RIMS1):c.1131G>A (p.Met377Ile)

Gene: RIMS1 (regulating synaptic membrane exocytosis 1; plus strand). Cytogenetic location: 6q13.
Variant type: single nucleotide variant.
Coding change: c.1131G>A on transcript NM_014989.7 (MANE Select); coding-DNA position 1131, G replaced by A.
Protein change: p.Met377Ile; replaces methionine 377 with isoleucine.
Molecular consequence: missense variant.
Genome position (GRCh38, 1-based): chr6:72,182,602, G>A. VCF-style: chr6-72182602-G-A. GRCh37 (hg19) VCF-style: chr6-72892305-G-A.
Other names: c.1131G>A (NM_014989.4); short protein forms M377I.
Identifiers: ClinVar variation 999152 (VCV000999152.10), dbSNP rs558241050, ClinGen allele CA3885658.

ClinVar aggregate classification (germline): Conflicting classifications of pathogenicity. Review status: criteria provided, conflicting classifications (1 of 4 stars). 3 submissions from 3 submitters: Uncertain significance (2); Likely benign (1). Last evaluated 2026-02-01.

Allele frequency attached by ClinVar (database versions not stated): gnomAD exomes 0.00001 and 0.00005; ExAC 0.00006; 1000 Genomes Project 30x 0.00016; 1000 Genomes Project 0.00020; gnomAD 0.00020 and 0.00021; TOPMed 0.00024.
gnomAD v4.1: 53 of 1,548,382 alleles (0.0034%); highest among the groups gnomAD compares: African/African-American, 0.06%; no homozygotes.

Submissions (3):

Labcorp Genetics (formerly Invitae), Labcorp
Classification: Uncertain significance. Last evaluated: 2026-02-01. Review status: criteria provided, single submitter. Criteria: Invitae Variant Classification Sherloc (09022015). Collection method: clinical testing. Allele origin: germline.
Comment: This sequence change replaces methionine, which is neutral and non-polar, with isoleucine, which is neutral and non-polar, at codon 377 of the RIMS1 protein (p.Met377Ile). This variant is present in population databases (rs558241050, gnomAD 0.07%), and has an allele count higher than expected for a pathogenic variant. This variant has not been reported in the literature in individuals affected with RIMS1-related conditions. ClinVar contains an entry for this variant (Variation ID: 999152). An algorithm developed to predict the effect of missense changes on protein structure and function (PolyPhen-2) suggests that this variant is likely to be tolerated. In summary, the available evidence is currently insufficient to determine the role of this variant in disease. Therefore, it has been classified as a Variant of Uncertain Significance.

Ambry Genetics
Classification: Uncertain significance. Last evaluated: 2025-08-03. Review status: criteria provided, single submitter. Criteria: Ambry Variant Classification Scheme 2023. Collection method: clinical testing. Allele origin: germline.

Blueprint Genetics
Classification: Likely benign. Last evaluated: 2023-12-27. Review status: criteria provided, single submitter. Criteria: ACMG Guidelines, 2015. Collection method: clinical testing. Allele origin: germline.